The following is an entry in ClinVar:

ClinVar aggregate classification (germline): Uncertain significance. Review status: criteria provided, multiple submitters, no conflicts (2 of 4 stars). 3 submissions from 3 submitters: Uncertain significance (3). Last evaluated 2025-05-13.

Conditions:
Arthrogryposis, distal, with impaired proprioception and touch (DAIPT). Identifiers: MedGen C4310692, MONDO:0014941, OMIM 617146.
Hereditary cancer-predisposing syndrome. Also called: Hereditary neoplastic syndrome; Neoplastic Syndromes, Hereditary; Tumor predisposition; Hereditary Cancer Syndrome. Identifiers: Orphanet 140162, MedGen C0027672, MeSH D009386, MONDO:0015356.
Peutz-Jeghers syndrome (PJS). Also called: POLYPOSIS, HAMARTOMATOUS INTESTINAL; POLYPS-AND-SPOTS SYNDROME; Peutz-Jeghers polyposis; Periorificial lentiginosis syndrome. Identifiers: Orphanet 2869, MedGen C0031269, MeSH D010580, MONDO:0008280, OMIM 175200.

Allele frequency attached by ClinVar (database versions not stated): gnomAD 0.00001; 1000 Genomes Project 30x 0.00016; 1000 Genomes Project 0.00020.

Submissions (3):

Labcorp Genetics (formerly Invitae), Labcorp
Classification: Uncertain significance for Peutz-Jeghers syndrome. Last evaluated: 2025-05-13. Review status: criteria provided, single submitter. Criteria: Invitae Variant Classification Sherloc (09022015). Collection method: clinical testing. Allele origin: germline.
Comment: This sequence change replaces threonine, which is neutral and polar, with isoleucine, which is neutral and non-polar, at codon 185 of the STK11 protein (p.Thr185Ile). This variant is not present in population databases (gnomAD no frequency). This variant has not been reported in the literature in individuals affected with STK11-related conditions. ClinVar contains an entry for this variant (Variation ID: 485020). Invitae Evidence Modeling of protein sequence and biophysical properties (such as structural, functional, and spatial information, amino acid conservation, physicochemical variation, residue mobility, and thermodynamic stability) has been performed for this missense variant. However, the output from this modeling did not meet the statistical confidence thresholds required to predict the impact of this variant on STK11 protein function. In summary, the available evidence is currently insufficient to determine the role of this variant in disease. Therefore, it has been classified as a Variant of Uncertain Significance.

Ambry Genetics
Classification: Uncertain significance for Hereditary cancer-predisposing syndrome. Last evaluated: 2017-07-17. Review status: criteria provided, single submitter. Criteria: Ambry Variant Classification Scheme 2023. Collection method: clinical testing. Allele origin: germline.
Comment: The p.T185I variant (also known as c.554C>T), located in coding exon 4 of the STK11 gene, results from a C to T substitution at nucleotide position 554. The threonine at codon 185 is replaced by isoleucine, an amino acid with similar properties. This amino acid position is highly conserved in available vertebrate species. In addition, this alteration is predicted to be deleterious by in silico analysis. Since supporting evidence is limited at this time, the clinical significance of this alteration remains unclear.

Institute for Medical Genetics and Human Genetics, Charité - Universitätsmedizin Berlin
Classification: Uncertain significance for Arthrogryposis, distal, with impaired proprioception and touch. Review status: criteria provided, single submitter. Criteria: ACMG Guidelines, 2015. Collection method: not provided. Allele origin: germline. Inheritance: Autosomal dominant inheritance. Affected: yes.

NM_000455.5(STK11):c.554C>T (p.Thr185Ile)

Gene: STK11 (serine/threonine kinase 11; plus strand). Cytogenetic location: 19p13.3.
Variant type: single nucleotide variant.
Coding change: c.554C>T on transcript NM_000455.5 (MANE Select); coding-DNA position 554, C replaced by T.
Protein change: p.Thr185Ile; replaces threonine 185 with isoleucine.
Molecular consequence: missense variant.
Genome position (GRCh38, 1-based): chr19:1,220,462, C>T. VCF-style: chr19-1220462-C-T. GRCh37 (hg19) VCF-style: chr19-1220461-C-T.
Other names: short protein forms T185I.
Identifiers: ClinVar variation 485020 (VCV000485020.12), dbSNP rs540627331, ClinGen allele CA304025912.
Genomic context (GRCh38, chr19:1,220,462, plus strand): 5'-AGTACCTGCATAGCCAGGGCATTGTGCACAAGGACATCAAGCCGGGGAACCTGCTGCTCA[C>T]CACCGGTGGCACCCTCAAAATCTCCGACCTGGGCGTGGCCGAGGTAGGCACGTGCTAGGG-3'
Protein context (NP_000446.1, residues 175-195): KDIKPGNLLL[Thr185Ile]TGGTLKISDL